The following is an entry in ClinVar:

NM_001372.4(DNAH9):c.3583C>T (p.Pro1195Ser)

Gene: DNAH9 (dynein axonemal heavy chain 9; plus strand). Cytogenetic location: 17p12.
Variant type: single nucleotide variant.
Coding change: c.3583C>T on transcript NM_001372.4 (MANE Select); coding-DNA position 3583, C replaced by T.
Protein change: p.Pro1195Ser; replaces proline 1195 with serine.
Molecular consequence: missense variant.
Genome position (GRCh38, 1-based): chr17:11,680,729, C>T. VCF-style: chr17-11680729-C-T. GRCh37 (hg19) VCF-style: chr17-11584046-C-T.
Other names: c.3583C>T (NM_001372.3); short protein forms P1195S.
Identifiers: ClinVar variation 2441824 (VCV002441824.2), dbSNP rs757909623, ClinGen allele CA8395492.

ClinVar aggregate classification (germline): Uncertain significance. Review status: criteria provided, multiple submitters, no conflicts (2 of 4 stars). 2 submissions from 2 submitters: Uncertain significance (2). Last evaluated 2023-03-16.

Conditions:
Ciliary dyskinesia, primary, 40. Also called: CILIARY DYSKINESIA, PRIMARY, 40, WITH OR WITHOUT SITUS INVERSUS. Identifiers: MedGen C4749028, MONDO:0032664, OMIM 618300.

Allele frequency attached by ClinVar (database versions not stated): gnomAD 0.00001; gnomAD exomes 0.00002; ExAC 0.00004; TOPMed 0.00005.
gnomAD v4.1: 17 of 1,613,762 alleles (0.0011%); highest among the groups gnomAD compares: Admixed American, 0.027%; no homozygotes.

Submissions (2):

GeneDx
Classification: Uncertain significance. Last evaluated: 2023-03-16. Review status: criteria provided, single submitter. Criteria: GeneDx Variant Classification Process June 2021. Collection method: clinical testing. Allele origin: germline. Affected: yes.
Comment: In silico analysis supports that this missense variant has a deleterious effect on protein structure/function; Has not been previously published as pathogenic or benign to our knowledge

Baylor Genetics
Classification: Uncertain significance for Ciliary dyskinesia, primary, 40. Last evaluated: 2022-12-24. Review status: criteria provided, single submitter. Criteria: ACMG Guidelines, 2015. Collection method: clinical testing. Allele origin: unknown.